The following is an entry in ClinVar:

ClinVar aggregate classification (germline): Uncertain significance (1 of 4 stars; one submission).

Allele frequency attached by ClinVar (database versions not stated): gnomAD exomes below 0.00001; ExAC 0.00001; gnomAD 0.00001.
gnomAD v4.1: 5 of 1,611,314 alleles (0.00031%); highest among the groups gnomAD compares: South Asian, 0.0033%; no homozygotes.

Submission:

Labcorp Genetics (formerly Invitae), Labcorp
Classification: Uncertain significance. Last evaluated: 2022-01-14. Review status: criteria provided, single submitter. Criteria: Invitae Variant Classification Sherloc (09022015). Collection method: clinical testing. Allele origin: germline.
Comment: In summary, the available evidence is currently insufficient to determine the role of this variant in disease. Therefore, it has been classified as a Variant of Uncertain Significance. Algorithms developed to predict the effect of missense changes on protein structure and function are either unavailable or do not agree on the potential impact of this missense change (SIFT: "Tolerated"; PolyPhen-2: "Possibly Damaging"; Align-GVGD: "Class C0"). This variant has not been reported in the literature in individuals affected with TUBGCP6-related conditions. This variant is present in population databases (rs748989083, gnomAD 0.003%). This sequence change replaces glutamic acid, which is acidic and polar, with lysine, which is basic and polar, at codon 1766 of the TUBGCP6 protein (p.Glu1766Lys).

NM_020461.4(TUBGCP6):c.5296G>A (p.Glu1766Lys)

Gene: TUBGCP6 (tubulin gamma complex component 6; minus strand). Cytogenetic location: 22q13.33.
Variant type: single nucleotide variant.
Coding change: c.5296G>A on transcript NM_020461.4 (MANE Select); coding-DNA position 5296, G replaced by A.
Protein change: p.Glu1766Lys; replaces glutamic acid 1766 with lysine.
Molecular consequence: missense variant.
Genome position (GRCh38, 1-based): chr22:50,217,990, C>T on the plus strand (G>A on the coding strand, the complement: TUBGCP6 is on the minus strand). VCF-style: chr22-50217990-C-T. GRCh37 (hg19) VCF-style: chr22-50656419-C-T.
Other names: short protein forms E1766K.
Identifiers: ClinVar variation 1466976 (VCV001466976.8), dbSNP rs748989083, ClinGen allele CA10307082.
Genomic context (GRCh38, chr22:50,217,990, plus strand): 5'-AGTGGGAGTAGTACTTGAAGGTGTTGTAGGACTGCTGCATGAGTGCAAAGTTGGGGTGCT[C>T]TGCACCCCGCGGGCCCCCAGGGGGCCCCCAGGCCTGGGAGATGAGCTGGCTGCGGAACTT-3'
Protein context (NP_065194.3, residues 1756-1776): WGPPGGPRGA[Glu1766Lys]HPNFALMQQS